The following is an entry in ClinVar:

ClinVar aggregate classification (germline): Uncertain significance (1 of 4 stars; one submission).

Allele frequency attached by ClinVar (database versions not stated): gnomAD exomes below 0.00001.
gnomAD v4.1: 3 of 1,614,078 alleles (0.00019%); highest among the groups gnomAD compares: Admixed American, 0.0017%; no homozygotes.

Submission:

Labcorp Genetics (formerly Invitae), Labcorp
Classification: Uncertain significance. Last evaluated: 2023-08-30. Review status: criteria provided, single submitter. Criteria: Invitae Variant Classification Sherloc (09022015). Collection method: clinical testing. Allele origin: germline.
Comment: This sequence change replaces lysine, which is basic and polar, with asparagine, which is neutral and polar, at codon 369 of the PIGV protein (p.Lys369Asn). This variant is not present in population databases (gnomAD no frequency). In summary, the available evidence is currently insufficient to determine the role of this variant in disease. Therefore, it has been classified as a Variant of Uncertain Significance. An algorithm developed to predict the effect of missense changes on protein structure and function (PolyPhen-2) suggests that this variant is likely to be disruptive. ClinVar contains an entry for this variant (Variation ID: 1522081). This variant has not been reported in the literature in individuals affected with PIGV-related conditions.

NM_017837.4(PIGV):c.1107G>T (p.Lys369Asn)

Gene: PIGV (phosphatidylinositol glycan anchor biosynthesis class V; plus strand). Cytogenetic location: 1p36.11.
Variant type: single nucleotide variant.
Coding change: c.1107G>T on transcript NM_017837.4 (MANE Select); coding-DNA position 1107, G replaced by T.
Protein change: p.Lys369Asn; replaces lysine 369 with asparagine.
Molecular consequence: missense variant. On other transcripts: non-coding transcript variant (1), intron variant (1).
Genome position (GRCh38, 1-based): chr1:26,795,141, G>T. VCF-style: chr1-26795141-G-T. GRCh37 (hg19) VCF-style: chr1-27121632-G-T.
Other names: c.1107G>T, p.Lys369Asn (NM_001202554.2, NM_001374478.1, NM_001374480.1 and 2 more transcripts); c.726G>T, p.Lys242Asn (NM_001374483.1); c.480G>T, p.Lys160Asn (NM_001374484.1, NM_001374485.1); c.79-2422G>T (NM_001374486.1); short protein forms K369N, K160N, K242N.
Identifiers: ClinVar variation 1522081 (VCV001522081.6), dbSNP rs2124197664, ClinGen allele CA339201847.